The following is an entry in ClinVar:

ClinVar aggregate classification (germline): Uncertain significance (1 of 4 stars; one submission).

Allele frequency attached by ClinVar (database versions not stated): gnomAD exomes below 0.00001.
gnomAD v4.1: 2 of 1,565,156 alleles (0.00013%); highest among the groups gnomAD compares: Admixed American, 0.0035%; no homozygotes.

Submission:

Labcorp Genetics (formerly Invitae), Labcorp
Classification: Uncertain significance. Last evaluated: 2022-08-10. Review status: criteria provided, single submitter. Criteria: Invitae Variant Classification Sherloc (09022015). Collection method: clinical testing. Allele origin: germline.
Comment: In summary, the available evidence is currently insufficient to determine the role of this variant in disease. Therefore, it has been classified as a Variant of Uncertain Significance. Algorithms developed to predict the effect of missense changes on protein structure and function output the following: SIFT: "Not Available"; PolyPhen-2: "Benign"; Align-GVGD: "Not Available". The asparagine amino acid residue is found in multiple mammalian species, which suggests that this missense change does not adversely affect protein function. This variant has not been reported in the literature in individuals affected with RIPK1-related conditions. This variant is present in population databases (no rsID available, gnomAD 0.006%). This sequence change replaces serine, which is neutral and polar, with asparagine, which is neutral and polar, at codon 303 of the RIPK1 protein (p.Ser303Asn).

NM_001354930.2(RIPK1):c.908G>A (p.Ser303Asn)

Gene: RIPK1 (receptor interacting serine/threonine kinase 1; plus strand). Cytogenetic location: 6p25.2.
Variant type: single nucleotide variant.
Coding change: c.908G>A on transcript NM_001354930.2 (MANE Select); coding-DNA position 908, G replaced by A.
Protein change: p.Ser303Asn; replaces serine 303 with asparagine.
Molecular consequence: missense variant.
Genome position (GRCh38, 1-based): chr6:3,089,650, G>A. VCF-style: chr6-3089650-G-A. GRCh37 (hg19) VCF-style: chr6-3089884-G-A.
Other names: c.770G>A, p.Ser257Asn (NM_001354931.2); c.419G>A, p.Ser140Asn (NM_001354932.2, NM_001354933.2, NM_001354934.2 and 1 more transcripts); c.908G>A, p.Ser303Asn (NM_003804.6); short protein forms S257N, S140N, S303N.
Identifiers: ClinVar variation 1958525 (VCV001958525.5), dbSNP rs1249583375, ClinGen allele CA362583335.